The following is an entry in ClinVar:

ClinVar aggregate classification (germline): Pathogenic (1 of 4 stars; one submission).

Allele frequency attached by ClinVar (database versions not stated): TOPMed below 0.00001; gnomAD 0.00001.

Submission:

Labcorp Genetics (formerly Invitae), Labcorp
Classification: Pathogenic. Last evaluated: 2022-03-06. Review status: criteria provided, single submitter. Criteria: Invitae Variant Classification Sherloc (09022015). Collection method: clinical testing. Allele origin: germline.
Comment: This sequence change creates a premature translational stop signal (p.Asp281Metfs*60) in the HPS3 gene. It is expected to result in an absent or disrupted protein product. Loss-of-function variants in HPS3 are known to be pathogenic (PMID: 11590544). This variant is present in population databases (no rsID available, gnomAD 0.007%). For these reasons, this variant has been classified as Pathogenic. This variant has not been reported in the literature in individuals affected with HPS3-related conditions.

Literature cited by the submitters: PubMed 11590544.

NM_032383.5(HPS3):c.841del (p.Asp281fs)

Gene: HPS3 (HPS3 biogenesis of lysosomal organelles complex 2 subunit 1; plus strand). Cytogenetic location: 3q24.
Variant type: Deletion.
Coding change: c.841del on transcript NM_032383.5 (MANE Select); coding-DNA position 841, one base deleted (G; older notation c.841delG).
Protein change: p.Asp281fs; shifts the reading frame from aspartic acid 281.
Molecular consequence: frameshift variant.
Genome position (GRCh38, 1-based): chr3:149,141,145, G deleted. VCF-style (leftmost placement, unchanged base first): chr3-149141144-TG-T. GRCh37 (hg19) VCF-style: chr3-148858931-TG-T.
Other names: c.346del, p.Asp116fs (NM_001308258.2); short protein forms D116fs, D281fs.
Identifiers: ClinVar variation 2101594 (VCV002101594.4), dbSNP rs1169648392, ClinGen allele CA547365800.